The following is an entry in ClinVar:

NM_001005242.3(PKP2):c.1902G>A (p.Trp634Ter)

Gene: PKP2 (plakophilin 2; minus strand). Cytogenetic location: 12p11.21.
Variant type: single nucleotide variant.
Coding change: c.1902G>A on transcript NM_001005242.3 (MANE Select); coding-DNA position 1902, G replaced by A.
Protein change: p.Trp634Ter; replaces tryptophan 634 with a stop codon.
Molecular consequence: nonsense.
Genome position (GRCh38, 1-based): chr12:32,821,467, C>T on the plus strand (G>A on the coding strand, the complement: PKP2 is on the minus strand). VCF-style: chr12-32821467-C-T. GRCh37 (hg19) VCF-style: chr12-32974401-C-T.
Other names: c.1902G>A, p.Trp634Ter (NM_001407161.1, NM_001407155.1); c.1575G>A, p.Trp525Ter (NM_001407162.1, NM_001407158.1, NM_001407159.1 and 1 more transcripts); c.2034G>A, p.Trp678Ter (NM_004572.4, NM_001407157.1); c.1737G>A, p.Trp579Ter (NM_001407156.1); short protein forms W525*, W579*, W634*, W678*.
Identifiers: ClinVar variation 5037325 (VCV005037325.1).
Genomic context (GRCh38, chr12:32,821,467, plus strand): 5'-TGTGTAGTTGCGGACACTTTTGGCGATCAAGGACAGATACATCCTTATAACAATGGAATG[C>T]CACAGCCACTCCACGCCCTTGGGGTTGCTCTTTTCCTCCGGCATCGGCACGTCCTGGTAT-3'

ClinVar aggregate classification (germline): Pathogenic (1 of 4 stars; one submission).

Submission:

GeneDx
Classification: Pathogenic. Last evaluated: 2026-04-17. Review status: criteria provided, single submitter. Criteria: GeneDx Variant Classification Process June 2021. Collection method: clinical testing. Allele origin: germline.
Comment: Nonsense variant predicted to result in protein truncation or nonsense mediated decay in a gene for which loss of function is a known mechanism of disease; Not observed at significant frequency in large population cohorts (gnomAD); This variant is associated with the following publications: (PMID: 25525159, 31386562, 31402444, 23871674, 30790397, 21606396)